The following is an entry in ClinVar:

NM_001374385.1(ATP8B1):c.1805G>A (p.Arg602Gln)

Gene: ATP8B1 (ATPase phospholipid transporting 8B1; minus strand). Cytogenetic location: 18q21.31.
Variant type: single nucleotide variant.
Coding change: c.1805G>A on transcript NM_001374385.1 (MANE Select); coding-DNA position 1805, G replaced by A.
Protein change: p.Arg602Gln; replaces arginine 602 with glutamine.
Molecular consequence: missense variant.
Genome position (GRCh38, 1-based): chr18:57,674,848, C>T on the plus strand (G>A on the coding strand, the complement: ATP8B1 is on the minus strand). VCF-style: chr18-57674848-C-T. GRCh37 (hg19) VCF-style: chr18-55342080-C-T.
Other names: c.1655G>A, p.Arg552Gln (NM_001374386.1); c.1805G>A, p.Arg602Gln (NM_005603.6); short protein forms R552Q, R602Q.
Identifiers: ClinVar variation 3350607 (VCV003350607.4).
Genomic context (GRCh38, chr18:57,674,848, plus strand): 5'-AACATCTAAATGAGCGATTCATAGACAGACTCTGAGGGGGACTTACCAATGATAGACATT[C>T]GCTTCCGGTCACTGTTGAAGTCCAAAATGGCAAGAACATTGTAAGTCCTTTCAGTGCCCA-3'
Protein context (NP_001361314.1, residues 592-612): AILDFNSDRK[Arg602Gln]MSIIVRTPEG

ClinVar aggregate classification (germline): Uncertain significance. Review status: criteria provided, multiple submitters, no conflicts (2 of 4 stars). 3 submissions from 3 submitters: Uncertain significance (3). Last evaluated 2026-06-18.

Conditions:
Familial intrahepatic cholestasis. Identifiers: Orphanet 284385, MedGen CN296401, MONDO:0017290.
ATP8B1-related disorder. Also called: ATP8B1-related condition; ATP8B1-related disorders.

gnomAD v4.1: 18 of 1,614,000 alleles (0.0011%); highest among the groups gnomAD compares: Non-Finnish European, 0.0014%; no homozygotes.

Submissions (3):

PreventionGenetics, part of Exact Sciences
Classification: Uncertain significance for ATP8B1-related condition. Last evaluated: 2026-06-18. Review status: criteria provided, single submitter. Criteria: ACMG Guidelines, 2015. Collection method: clinical testing. Allele origin: germline.
Comment: The ATP8B1 c.1805G>A variant is predicted to result in the amino acid substitution p.Arg602Gln. This variant has been reported de novo in heterozygous state in an individual with benign recurrent intrahepatic cholestasis, in absence of second plausible variant in ATP8B1 (Table S3B, Neřoldová et al. 2023. PubMed ID: 37471416; Ołdakowska-Jedynak et al. 2013. PubMed ID: 24164717). This variant is reported in 0.0018% of alleles in individuals of European (Non-Finnish) descent in gnomAD. At this time, the clinical significance of this variant is uncertain due to the absence of conclusive functional and genetic evidence.

Genomenon, Inc
Classification: Uncertain significance for Familial intrahepatic cholestasis. Last evaluated: 2026-04-14. Review status: criteria provided, single submitter. Criteria: Genomenon Sequence Variant Interpretation Standards - Updated. Collection method: curation. Allele origin: germline. Affected: yes.
Comment: ATP8B1 p.Arg602Gln (c.1805G>A) is a missense variant that changes the amino acid at residue 602 from Arginine to Glutamine. This variant has been observed in at least one proband with features of ATP8B1-deficiency (PMID:24164717). A de novo occurrence of this variant has been observed in at least one affected individual (PMID:24164717). It is absent or not present at a significant frequency in gnomAD. In silico models predict that this variant is possibly or probably damaging. In conclusion, we classify ATP8B1 p.Arg602Gln (c.1805G>A) as a variant of uncertain significance.

Women's Health and Genetics/Laboratory Corporation of America, LabCorp
Classification: Uncertain significance. Last evaluated: 2025-09-02. Review status: criteria provided, single submitter. Criteria: LabCorp Variant Classification Summary - May 2015. Collection method: clinical testing. Allele origin: germline.
Comment: Variant summary: ATP8B1 c.1805G>A (p.Arg602Gln) results in a conservative amino acid change in the encoded protein sequence. Algorithms developed to predict the effect of missense changes on protein structure and function are either unavailable or do not agree on the potential impact of this missense change. The variant allele was found at a frequency of 8e-06 in 251462 control chromosomes (gnomAD). The available data on variant occurrences in the general population are insufficient to allow any conclusion about variant significance. c.1805G>A has been observed in at least one individual affected with benign recurrent intrahepatic cholestasis (Jirsa_2011, OldakowskaJedynak_2014, Neroldova_2023). These reports do not provide unequivocal conclusions about association of the variant with Benign recurrent intrahepatic cholestasis type 1. To our knowledge, no experimental evidence demonstrating an impact on protein function has been reported. The following publications have been ascertained in the context of this evaluation (PMID: 21404481, 24164717, 37471416). ClinVar contains an entry for this variant (Variation ID: 3350607). Based on the evidence outlined above, the variant was classified as uncertain significance.

Literature cited by the submitters: PubMed 24164717 (cited by Genomenon, Inc and Women's Health and Genetics/Laboratory Corporation of America, LabCorp); PubMed 37471416 (cited by Women's Health and Genetics/Laboratory Corporation of America, LabCorp); PubMed 21404481 (cited by Women's Health and Genetics/Laboratory Corporation of America, LabCorp).